The following is an entry in ClinVar:

ClinVar aggregate classification (germline): Pathogenic. Review status: reviewed by expert panel (3 of 4 stars). 4 submissions from 4 submitters: Pathogenic (1). 3 of the submissions do not count toward it. Last evaluated 2017-03-17.

Conditions:
Bronchiectasis with or without elevated sweat chloride 1 (BESC1). Also called: Cystic Fibrosis-Like Syndrome. Identifiers: Orphanet 60033, MedGen C2749757, MONDO:0008887, OMIM 211400.
CFTR-related disorder (CFTR-RD). Also called: CFTR-related disorders; CFTR-related condition. Identifiers: MedGen C5924204, MONDO:7770004.
Cystic fibrosis (CF). Also called: MUCOVISCIDOSIS. Identifiers: Orphanet 586, MedGen C0010674, MONDO:0009061, OMIM 219700. Disease mechanism: loss of function.

Submissions (4):

CFTR2
Classification: Pathogenic for Cystic fibrosis. Last evaluated: 2017-03-17. Review status: reviewed by expert panel. Criteria: Sosnay PR et al. (Nat Genet 2013). Collection method: research. Allele origin: germline. Affected: yes. Study: CFTR2.

Natera, Inc.
Classification: Likely pathogenic for CFTR-related disorders. Last evaluated: 2025-08-05. Review status: criteria provided, single submitter. Criteria: Natera Variant Classification Schema (03/2026). Collection method: clinical testing. Allele origin: germline. Not counted in ClinVar's aggregate classification.
Comment: The c.717delG variant in CFTR is a frameshift variant predicted to shift the reading frame and introduce a stop codon. This variant may result in a truncated or dysfunctional protein product. This variant is rare in the general population with a frequency below the threshold expected for the associated phenotype(s). Given the available evidence, this variant is classified as Likely Pathogenic.

Labcorp Genetics (formerly Invitae), Labcorp
Classification: Pathogenic for Cystic fibrosis. Last evaluated: 2023-09-21. Review status: criteria provided, single submitter. Criteria: Invitae Variant Classification Sherloc (09022015). Collection method: clinical testing. Allele origin: germline. Not counted in ClinVar's aggregate classification.
Comment: For these reasons, this variant has been classified as Pathogenic. ClinVar contains an entry for this variant (Variation ID: 487385). This variant is also known as 849delG. This premature translational stop signal has been observed in individual(s) with cystic fibrosis (PMID: 23974870). This variant is not present in population databases (gnomAD no frequency). This sequence change creates a premature translational stop signal (p.Leu240*) in the CFTR gene. It is expected to result in an absent or disrupted protein product. Loss-of-function variants in CFTR are known to be pathogenic (PMID: 1695717, 7691345, 9725922).

Baylor Genetics
Classification: Likely pathogenic for Bronchiectasis with or without elevated sweat chloride 1. Last evaluated: 2023-09-06. Review status: criteria provided, single submitter. Criteria: ACMG Guidelines, 2015. Collection method: clinical testing. Allele origin: unknown. Not counted in ClinVar's aggregate classification.

Literature cited by the submitters: PubMed 23974870 (cited by Labcorp Genetics (formerly Invitae), Labcorp); PubMed 1695717 (cited by Labcorp Genetics (formerly Invitae), Labcorp); PubMed 7691345 (cited by Labcorp Genetics (formerly Invitae), Labcorp); PubMed 9725922 (cited by Labcorp Genetics (formerly Invitae), Labcorp).

NM_000492.4(CFTR):c.717del (p.Gly239_Leu240insTer)

Gene: CFTR (CF transmembrane conductance regulator; plus strand). Cytogenetic location: 7q31.2.
Variant type: Deletion.
Coding change: c.717del on transcript NM_000492.4 (MANE Select); coding-DNA position 717, one base deleted (G; older notation c.717delG).
Protein change: p.Gly239_Leu240insTer.
Molecular consequence: frameshift variant.
Genome position (GRCh38, 1-based): chr7:117,535,385, G deleted; the last of 3 consecutive G bases (chr7:117,535,383-117,535,385); deleting any one gives the same sequence. VCF-style (leftmost placement, unchanged base first): chr7-117535382-TG-T. GRCh37 (hg19) VCF-style: chr7-117175436-TG-T.
Other names: c.717delG (NM_000492.3).
Identifiers: ClinVar variation 487385 (VCV000487385.13), dbSNP rs1554380497, ClinGen allele CA658656008.